The following is an entry in ClinVar:

ClinVar aggregate classification (germline): Pathogenic/Likely pathogenic. Review status: criteria provided, multiple submitters, no conflicts (2 of 4 stars). 3 submissions from 3 submitters: Pathogenic (1); Likely pathogenic (2). Last evaluated 2025-03-04.

Conditions:
BEST1-related disorder. Also called: BEST1-related disorders; BEST1-related condition. Identifiers: MedGen CN239200.
Autosomal recessive bestrophinopathy. Also called: Autosomal Recessive Bestrophinopathy (ARB). Identifiers: Orphanet 139455, MedGen C3888198, MONDO:0012733, OMIM 611809.

Allele frequency attached by ClinVar (database versions not stated): gnomAD exomes 0.00001.
gnomAD v4.1: 2 of 1,550,038 alleles (0.00013%); highest among the groups gnomAD compares: South Asian, 0.0024%; no homozygotes.

Submissions (3):

Labcorp Genetics (formerly Invitae), Labcorp
Classification: Likely pathogenic. Last evaluated: 2025-03-04. Review status: criteria provided, single submitter. Criteria: Invitae Variant Classification Sherloc (09022015). Collection method: clinical testing. Allele origin: germline.
Comment: This sequence change replaces arginine, which is basic and polar, with serine, which is neutral and polar, at codon 105 of the BEST1 protein (p.Arg105Ser). The frequency data for this variant in the population databases is considered unreliable, as metrics indicate poor data quality at this position in the gnomAD database. This missense change has been observed in individuals with autosomal dominant Best vitelliform macular dystrophy and autosomal recessive bestrophinopathy. In at least one individual the data is consistent with being in trans (on the opposite chromosome) from a pathogenic variant. It has also been observed to segregate with disease in related individuals. (PMID: 36527004; internal data). ClinVar contains an entry for this variant (Variation ID: 1483189). Invitae Evidence Modeling of protein sequence and biophysical properties (such as structural, functional, and spatial information, amino acid conservation, physicochemical variation, residue mobility, and thermodynamic stability) indicates that this missense variant is expected to disrupt BEST1 protein function with a positive predictive value of 95%. This variant disrupts the p.Arg105 amino acid residue in BEST1. Other variant(s) that disrupt this residue have been determined to be pathogenic (PMID: 27775230). This suggests that this residue is clinically significant, and that variants that disrupt this residue are likely to be disease-causing. In summary, the currently available evidence indicates that the variant is pathogenic, but additional data are needed to prove that conclusively. Therefore, this variant has been classified as Likely Pathogenic.

Blueprint Genetics
Classification: Likely pathogenic for BEST1-related disorders. Last evaluated: 2021-04-30. Review status: criteria provided, single submitter. Criteria: ACMG Guidelines, 2015. Collection method: clinical testing. Allele origin: germline. Affected: yes. Observed: 3 variant alleles.

Department of Medical Genetics, College of Basic Medicine, Army Medical University
Classification: Pathogenic for Autosomal recessive bestrophinopathy. Review status: criteria provided, single submitter. Criteria: ACMG Guidelines, 2015. Collection method: clinical testing. Allele origin: maternal. Inheritance: Autosomal recessive inheritance. Affected: yes.

Literature cited by the submitters: PubMed 36527004 (cited by Labcorp Genetics (formerly Invitae), Labcorp); PubMed 27775230 (cited by Labcorp Genetics (formerly Invitae), Labcorp).

NM_004183.4(BEST1):c.313C>A (p.Arg105Ser)

Gene: BEST1 (bestrophin 1; plus strand). Cytogenetic location: 11q12.3.
Variant type: single nucleotide variant.
Coding change: c.313C>A on transcript NM_004183.4 (MANE Select); coding-DNA position 313, C replaced by A.
Protein change: p.Arg105Ser; replaces arginine 105 with serine.
Molecular consequence: missense variant. On other transcripts: non-coding transcript variant (1).
Genome position (GRCh38, 1-based): chr11:61,955,783, C>A. VCF-style: chr11-61955783-C-A. GRCh37 (hg19) VCF-style: chr11-61723255-C-A.
Other names: c.133C>A, p.Arg45Ser (NM_001139443.3, NM_001300786.2, NM_001300787.2); c.-6C>A (NM_001363591.3); c.313C>A, p.Arg105Ser (NM_001363592.2); c.-863C>A (NM_001363593.3); short protein forms R105S, R45S.
Identifiers: ClinVar variation 1483189 (VCV001483189.11), dbSNP rs281865273, ClinGen allele CA380834264.